The following is an entry in ClinVar:

NM_007186.6(CEP250):c.1943C>T (p.Ala648Val)

Genes: CEP250 (centrosomal protein 250; plus strand), CEP250-AS1 (CEP250 antisense RNA 1; minus strand). Cytogenetic location: 20q11.22.
Variant type: single nucleotide variant.
Coding change: c.1943C>T on transcript NM_007186.6 (MANE Select); coding-DNA position 1943, C replaced by T.
Protein change: p.Ala648Val; replaces alanine 648 with valine.
Molecular consequence: missense variant.
Genome position (GRCh38, 1-based): chr20:35,477,950, C>T. VCF-style: chr20-35477950-C-T. GRCh37 (hg19) VCF-style: chr20-34065775-C-T.
Other names: c.47C>T, p.Ala16Val (NM_001318219.1); short protein forms A648V, A16V.
Identifiers: ClinVar variation 1515509 (VCV001515509.6), dbSNP rs531444330, ClinGen allele CA9833071.
Genomic context (GRCh38, chr20:35,477,950, plus strand): 5'-CTGTGTGCAGCAGAATGGAGGCCGCAGAGCAGGCGAGAAATGCTTTGCAGGTCGACCTGG[C>T]GGAGGCAGAGAAGAGGAGGGAAGCCCTGTGGGAAAAGAACACTCACCTGGAGGCTCAGCT-3'
Protein context (NP_009117.2, residues 638-658): QARNALQVDL[Ala648Val]EAEKRREALW

ClinVar aggregate classification (germline): Uncertain significance. Review status: criteria provided, multiple submitters, no conflicts (2 of 4 stars). 2 submissions from 2 submitters: Uncertain significance (2). Last evaluated 2023-03-20.

Allele frequency attached by ClinVar (database versions not stated): TOPMed 0.00002; gnomAD 0.00004 and 0.00005; gnomAD exomes 0.00004; ExAC 0.00008.
gnomAD v4.1: 40 of 1,611,692 alleles (0.0025%); highest among the groups gnomAD compares: South Asian, 0.027%; 1 homozygote.

Submissions (2):

Blueprint Genetics
Classification: Uncertain significance. Last evaluated: 2023-03-20. Review status: criteria provided, single submitter. Criteria: ACMG Guidelines, 2015. Collection method: clinical testing. Allele origin: germline.

Labcorp Genetics (formerly Invitae), Labcorp
Classification: Uncertain significance. Last evaluated: 2022-07-06. Review status: criteria provided, single submitter. Criteria: Invitae Variant Classification Sherloc (09022015). Collection method: clinical testing. Allele origin: germline.
Comment: This sequence change replaces alanine, which is neutral and non-polar, with valine, which is neutral and non-polar, at codon 648 of the CEP250 protein (p.Ala648Val). This variant is present in population databases (rs531444330, gnomAD 0.02%). This variant has not been reported in the literature in individuals affected with CEP250-related conditions. ClinVar contains an entry for this variant (Variation ID: 1515509). Algorithms developed to predict the effect of missense changes on protein structure and function output the following: SIFT: "Not Available"; PolyPhen-2: "Benign"; Align-GVGD: "Not Available". The valine amino acid residue is found in multiple mammalian species, which suggests that this missense change does not adversely affect protein function. In summary, the available evidence is currently insufficient to determine the role of this variant in disease. Therefore, it has been classified as a Variant of Uncertain Significance.